The following is an entry in ClinVar:

NM_000465.4(BARD1):c.925A>T (p.Thr309Ser)

Gene: BARD1 (BRCA1 associated RING domain 1; minus strand). Cytogenetic location: 2q35.
Variant type: single nucleotide variant.
Coding change: c.925A>T on transcript NM_000465.4 (MANE Select); coding-DNA position 925, A replaced by T.
Protein change: p.Thr309Ser; replaces threonine 309 with serine.
Molecular consequence: missense variant. On other transcripts: non-coding transcript variant (2), intron variant (3).
Genome position (GRCh38, 1-based): chr2:214,780,949, T>A on the plus strand (A>T on the coding strand, the complement: BARD1 is on the minus strand). VCF-style: chr2-214780949-T-A. GRCh37 (hg19) VCF-style: chr2-215645673-T-A.
Other names: c.868A>T, p.Thr290Ser (NM_001282543.2); c.159-28394A>T (NM_001282548.2); c.215+16112A>T (NM_001282545.2); c.364+11348A>T (NM_001282549.2); short protein forms T309S, T290S.
Identifiers: ClinVar variation 1365116 (VCV001365116.9), dbSNP rs2106109742, ClinGen allele CA350455032.

ClinVar aggregate classification (germline): Uncertain significance (1 of 4 stars; one submission).

Conditions:
Familial cancer of breast. Also called: BREAST CANCER, FAMILIAL; Hereditary breast cancer; hereditary breast carcinoma. Identifiers: Orphanet 227535, MedGen C0346153, MONDO:0016419, OMIM 114480. Disease mechanism: loss of function.

Submission:

Labcorp Genetics (formerly Invitae), Labcorp
Classification: Uncertain significance for Familial cancer of breast. Last evaluated: 2025-08-30. Review status: criteria provided, single submitter. Criteria: Invitae Variant Classification Sherloc (09022015). Collection method: clinical testing. Allele origin: germline.
Comment: This sequence change replaces threonine, which is neutral and polar, with serine, which is neutral and polar, at codon 309 of the BARD1 protein (p.Thr309Ser). This variant is not present in population databases (gnomAD no frequency). This variant has not been reported in the literature in individuals affected with BARD1-related conditions. ClinVar contains an entry for this variant (Variation ID: 1365116). An algorithm developed to predict the effect of missense changes on protein structure and function outputs the following: PolyPhen-2: "Benign". The serine amino acid residue is found in multiple mammalian species, which suggests that this missense change does not adversely affect protein function. In summary, the available evidence is currently insufficient to determine the role of this variant in disease. Therefore, it has been classified as a Variant of Uncertain Significance.